The following is an entry in ClinVar:

NM_014714.4(IFT140):c.248G>A (p.Gly83Glu)

Genes: IFT140 (intraflagellar transport 140; minus strand), LOC105371046 (uncharacterized LOC105371046; plus strand). Cytogenetic location: 16p13.3.
Variant type: single nucleotide variant.
Coding change: c.248G>A on transcript NM_014714.4 (MANE Select); coding-DNA position 248, G replaced by A.
Protein change: p.Gly83Glu; replaces glycine 83 with glutamic acid.
Molecular consequence: missense variant.
Genome position (GRCh38, 1-based): chr16:1,602,491, C>T on the plus strand (G>A on the coding strand, the complement: IFT140 is on the minus strand). VCF-style: chr16-1602491-C-T. GRCh37 (hg19) VCF-style: chr16-1652492-C-T.
Other names: short protein forms G83E.
Identifiers: ClinVar variation 1683343 (VCV001683343.1), dbSNP rs2142041731, ClinGen allele CA394223181.
Genomic context (GRCh38, chr16:1,602,491, plus strand): 5'-GTGTGTGTCAGGGGCATCGTGTGCTGCTCCTTGTCCTGCTTGTTAAACACCGTCACTTCT[C>T]CAGTCTCCCAGCCCACAGCCAGCACCAGCCGCGTCGGGTGCCAGCACAGGGAAGCAACCC-3'
Protein context (NP_055529.2, residues 73-93): RLVLAVGWET[Gly83Glu]EVTVFNKQDK

ClinVar aggregate classification (germline): Uncertain significance (1 of 4 stars; one submission).

Submission:

Women's Health and Genetics/Laboratory Corporation of America, LabCorp
Classification: Uncertain significance. Last evaluated: 2022-04-28. Review status: criteria provided, single submitter. Criteria: LabCorp Variant Classification Summary - May 2015. Collection method: clinical testing. Allele origin: germline.
Comment: Variant summary: IFT140 c.248G>A (p.Gly83Glu) results in a non-conservative amino acid change in the encoded protein sequence. Five of five in-silico tools predict a damaging effect of the variant on protein function. The variant was absent in 251328 control chromosomes. The available data on variant occurrences in the general population are insufficient to allow any conclusion about variant significance. To our knowledge, no occurrence of c.248G>A in individuals affected with Asphyxiating Thoracic Dystrophy 1 and no experimental evidence demonstrating its impact on protein function have been reported. No clinical diagnostic laboratories have submitted clinical-significance assessments for this variant to ClinVar after 2014. Based on the evidence outlined above, the variant was classified as uncertain significance.